The following is an entry in ClinVar:

NM_001195263.2(PDZD7):c.516C>G (p.Ile172Met)

Gene: PDZD7 (PDZ domain containing 7; minus strand). Cytogenetic location: 10q24.31.
Variant type: single nucleotide variant.
Coding change: c.516C>G on transcript NM_001195263.2 (MANE Select); coding-DNA position 516, C replaced by G.
Protein change: p.Ile172Met; replaces isoleucine 172 with methionine.
Molecular consequence: missense variant.
Genome position (GRCh38, 1-based): chr10:101,023,462, G>C on the plus strand (C>G on the coding strand, the complement: PDZD7 is on the minus strand). VCF-style: chr10-101023462-G-C. GRCh37 (hg19) VCF-style: chr10-102783219-G-C.
Other names: c.516C>G, p.Ile172Met (NM_001351044.2, NM_024895.5); short protein forms I172M.
Identifiers: ClinVar variation 1043914 (VCV001043914.9), dbSNP rs1404827189, ClinGen allele CA378230526.

ClinVar aggregate classification (germline): Uncertain significance (1 of 4 stars; one submission).

Allele frequency attached by ClinVar (database versions not stated): gnomAD exomes 0.00001.

Submission:

Labcorp Genetics (formerly Invitae), Labcorp
Classification: Uncertain significance. Last evaluated: 2020-02-07. Review status: criteria provided, single submitter. Criteria: Invitae Variant Classification Sherloc (09022015). Collection method: clinical testing. Allele origin: germline.
Comment: In summary, the available evidence is currently insufficient to determine the role of this variant in disease. Therefore, it has been classified as a Variant of Uncertain Significance. Algorithms developed to predict the effect of missense changes on protein structure and function are either unavailable or do not agree on the potential impact of this missense change (SIFT: "Deleterious"; PolyPhen-2: "Not Available"; Align-GVGD: "Class C0"). This variant has not been reported in the literature in individuals with PDZD7-related conditions. This variant is not present in population databases (ExAC no frequency). This sequence change replaces isoleucine with methionine at codon 172 of the PDZD7 protein (p.Ile172Met). The isoleucine residue is highly conserved and there is a small physicochemical difference between isoleucine and methionine.